The following is an entry in ClinVar:

ClinVar aggregate classification (germline): Conflicting classifications of pathogenicity. Review status: criteria provided, conflicting classifications (1 of 4 stars). 8 submissions from 8 submitters: Uncertain significance (1); Benign (3); Likely benign (3). 1 of the submissions does not count toward it. Last evaluated 2026-01-21.

Conditions:
COG5-congenital disorder of glycosylation. Also called: COG5-CDG; CONGENITAL DISORDER OF GLYCOSYLATION, TYPE IIi; CDG IIi. Identifiers: Orphanet 263487, MedGen C3150876, MONDO:0013325, OMIM 613612.
COG5-related disorder. Also called: COG5-related condition.

Allele frequency attached by ClinVar (database versions not stated): gnomAD exomes 0.00039 and 0.00189; gnomAD 0.00063 and 0.00078; TOPMed 0.00096; ExAC 0.00178; 1000 Genomes Project 30x 0.00297; 1000 Genomes Project 0.00319.
gnomAD v4.1: 746 of 1,612,088 alleles (0.046%); highest among the groups gnomAD compares: East Asian, 1.4%; 11 homozygotes.

Submissions (8):

Labcorp Genetics (formerly Invitae), Labcorp
Classification: Benign for COG5-congenital disorder of glycosylation. Last evaluated: 2026-01-21. Review status: criteria provided, single submitter. Criteria: Invitae Variant Classification Sherloc (09022015). Collection method: clinical testing. Allele origin: germline.

Mayo Clinic Laboratories, Mayo Clinic
Classification: Benign. Last evaluated: 2024-11-18. Review status: criteria provided, single submitter. Criteria: ACMG Guidelines, 2015. Collection method: clinical testing. Allele origin: germline. Observed: 1 variant allele.
Comment: BA1, BS2

Mendelics
Classification: Benign for COG5-congenital disorder of glycosylation. Last evaluated: 2023-08-22. Review status: criteria provided, single submitter. Criteria: Mendelics Assertion Criteria 2019. Collection method: clinical testing. Allele origin: germline.

Illumina Laboratory Services, Illumina
Classification: Likely benign for COG5-congenital disorder of glycosylation. Last evaluated: 2018-01-13. Review status: criteria provided, single submitter. Criteria: ICSL Variant Classification Criteria 13 December 2019. Collection method: clinical testing. Allele origin: germline.
Comment: This variant was observed in the ICSL laboratory as part of a predisposition screen in an ostensibly healthy population. It had not been previously curated by ICSL or reported in the Human Gene Mutation Database (HGMD: prior to June 1st, 2018), and was therefore a candidate for classification through an automated scoring system. Utilizing variant allele frequency, disease prevalence and penetrance estimates, and inheritance mode, an automated score was calculated to assess if this variant is too frequent to cause the disease. Based on the score and internal cut-off values, a variant classified as likely benign is not then subjected to further curation. The score for this variant resulted in a classification of likely benign for this disease.

GeneDx
Classification: Likely benign. Last evaluated: 2017-06-19. Review status: criteria provided, single submitter. Criteria: GeneDx Variant Classification (06012015). Collection method: clinical testing. Allele origin: germline. Affected: yes.
Comment: This variant is considered likely benign or benign based on one or more of the following criteria: it is a conservative change, it occurs at a poorly conserved position in the protein, it is predicted to be benign by multiple in silico algorithms, and/or has population frequency not consistent with disease.

Laboratory for Molecular Medicine, Mass General Brigham Personalized Medicine
Classification: Likely benign. Last evaluated: 2016-03-29. Review status: criteria provided, single submitter. Criteria: LMM Criteria. Collection method: clinical testing. Allele origin: germline.
Comment: Variant identified in a genome or exome case(s) and assessed due to predicted null impact of the variant or pathogenic assertions in the literature or databases. Disclaimer: This variant has not undergone full assessment. The following are preliminary notes: 2.4% East Asian population in ExAC

Soonchunhyang University Bucheon Hospital, Soonchunhyang University Medical Center
Classification: Uncertain significance for COG5-congenital disorder of glycosylation. Last evaluated: 2016-03-18. Review status: criteria provided, single submitter. Criteria: ACMG Guidelines, 2015. Collection method: reference population. Allele origin: germline. Observed: 1 variant allele.

PreventionGenetics, part of Exact Sciences
Classification: Likely benign for COG5-related condition. Last evaluated: 2019-07-18. Review status: no assertion criteria provided. Collection method: clinical testing. Allele origin: germline. Not counted in ClinVar's aggregate classification.
Comment: This variant is classified as likely benign based on ACMG/AMP sequence variant interpretation guidelines (Richards et al. 2015 PMID: 25741868, with internal and published modifications).

Literature cited by the submitters: PubMed 23430875 (cited by Mayo Clinic Laboratories, Mayo Clinic and Soonchunhyang University Bucheon Hospital, Soonchunhyang University Medical Center); PubMed 31180159 (cited by Mayo Clinic Laboratories, Mayo Clinic); PubMed 32174980 (cited by Mayo Clinic Laboratories, Mayo Clinic).

NM_006348.5(COG5):c.1826T>C (p.Ile609Thr)

Gene: COG5 (component of oligomeric golgi complex 5; minus strand). Cytogenetic location: 7q22.3.
Variant type: single nucleotide variant.
Coding change: c.1826T>C on transcript NM_006348.5 (MANE Select); coding-DNA position 1826, T replaced by C.
Protein change: p.Ile609Thr; replaces isoleucine 609 with threonine.
Molecular consequence: missense variant.
Genome position (GRCh38, 1-based): chr7:107,248,423, A>G on the plus strand (T>C on the coding strand, the complement: COG5 is on the minus strand). VCF-style: chr7-107248423-A-G. GRCh37 (hg19) VCF-style: chr7-106888868-A-G.
Other names: c.1826T>C, p.Ile609Thr (NM_001161520.2, NM_001379513.1, NM_001379514.1); c.1664T>C, p.Ile555Thr (NM_001379511.1); c.1652T>C, p.Ile551Thr (NM_001379512.1); c.1256T>C, p.Ile419Thr (NM_001379515.1); c.1112T>C, p.Ile371Thr (NM_001379516.1); c.1763T>C, p.Ile588Thr (NM_181733.4); short protein forms I640T, I419T, I551T, I609T, I371T, I555T, I588T.
Identifiers: ClinVar variation 225317 (VCV000225317.23), dbSNP rs142433421, ClinGen allele CA4430773.